The following is an entry in ClinVar:

ClinVar aggregate classification (germline): Uncertain significance (1 of 4 stars; one submission).

Submission:

GeneDx
Classification: Uncertain significance. Last evaluated: 2026-02-26. Review status: criteria provided, single submitter. Criteria: GeneDx Variant Classification Process June 2021. Collection method: clinical testing. Allele origin: germline.
Comment: Not observed at significant frequency in large population cohorts (gnomAD); In silico analysis suggests that this missense variant does not alter protein structure/function; Has not been previously published as pathogenic or benign to our knowledge

NM_014023.4(WDR37):c.112C>G (p.Leu38Val)

Gene: WDR37 (WD repeat domain 37; plus strand). Cytogenetic location: 10p15.3.
Variant type: single nucleotide variant.
Coding change: c.112C>G on transcript NM_014023.4 (MANE Select); coding-DNA position 112, C replaced by G.
Protein change: p.Leu38Val; replaces leucine 38 with valine.
Molecular consequence: missense variant.
Genome position (GRCh38, 1-based): chr10:1,072,267, C>G. VCF-style: chr10-1072267-C-G. GRCh37 (hg19) VCF-style: chr10-1118207-C-G.
Other names: short protein forms L38V.
Identifiers: ClinVar variation 5008027 (VCV005008027.1).